The following is an entry in ClinVar:

NM_003803.4(MYOM1):c.4649-20_4649-19delinsGG

Gene: MYOM1 (myomesin 1; minus strand). Cytogenetic location: 18p11.31.
Variant type: Indel.
Coding change: c.4649-20_4649-19delinsGG on transcript NM_003803.4 (MANE Select); 20 bases into the intron before coding-DNA position 4649 through 19 bases into the intron before coding-DNA position 4649, TT replaced by GG.
Molecular consequence: intron variant.
Genome position (GRCh38, 1-based): chr18:3,075,780-3,075,781, AA replaced by CC on the plus strand (TT replaced by GG on the coding strand, the reverse complement: MYOM1 is on the minus strand). VCF-style: chr18-3075780-AA-CC. GRCh37 (hg19) VCF-style: chr18-3075778-AA-CC.
Other names: c.4361-20_4361-19delinsGG (NM_019856.2).
Identifiers: ClinVar variation 2981586 (VCV002981586.3), dbSNP rs2510462713, ClinGen allele CA2740093963.
Genomic context (GRCh38, chr18:3,075,780, plus strand): 5'-CTTACTTCAACCTCTGGAATTCAGCATAGGCCTCATCGTATGCTTTAAAAGAAAAAAGAA[AA>CC]GTTAGAATTTTCTCACCCAGAATTGATGACACACAGGGGCGATTAAAATTCACAACTGGA-3'

ClinVar aggregate classification (germline): Uncertain significance (1 of 4 stars; one submission).

Conditions:
Hypertrophic cardiomyopathy. Also called: HYPERTROPHIC MYOCARDIOPATHY. Identifiers: Orphanet 217569, MedGen C0007194, MeSH D002312, MONDO:0005045, HP:0001639.

Submission:

Labcorp Genetics (formerly Invitae), Labcorp
Classification: Uncertain significance for Hypertrophic cardiomyopathy. Last evaluated: 2023-04-22. Review status: criteria provided, single submitter. Criteria: Invitae Variant Classification Sherloc (09022015). Collection method: clinical testing. Allele origin: germline.
Comment: This sequence change falls in intron 34 of the MYOM1 gene. It does not directly change the encoded amino acid sequence of the MYOM1 protein. Information on the frequency of this variant in the gnomAD database is not available, as this variant may be reported differently in the database. In summary, the available evidence is currently insufficient to determine the role of this variant in disease. Therefore, it has been classified as a Variant of Uncertain Significance. Experimental studies and prediction algorithms are not available or were not evaluated, and the effect of this variant on mRNA splicing is currently unknown. This variant has not been reported in the literature in individuals affected with MYOM1-related conditions.